The following is an entry in ClinVar:

NM_001042492.3(NF1):c.6941C>T (p.Ala2314Val)

Gene: NF1 (neurofibromin 1; plus strand). Cytogenetic location: 17q11.2.
Variant type: single nucleotide variant.
Coding change: c.6941C>T on transcript NM_001042492.3 (MANE Select); coding-DNA position 6941, C replaced by T.
Protein change: p.Ala2314Val; replaces alanine 2314 with valine.
Molecular consequence: missense variant.
Genome position (GRCh38, 1-based): chr17:31,340,524, C>T. VCF-style: chr17-31340524-C-T. GRCh37 (hg19) VCF-style: chr17-29667542-C-T.
Other names: c.6878C>T, p.Ala2293Val (NM_000267.4); short protein forms A2293V, A2314V.
Identifiers: ClinVar variation 1368899 (VCV001368899.6), dbSNP rs2151561523, ClinGen allele CA399014882.

ClinVar aggregate classification (germline): Uncertain significance (1 of 4 stars; one submission).

Conditions:
Neurofibromatosis, type 1 (NF1). Also called: Peripheral type neurofibromatosis; Neurofibromatosis, type I; NEUROFIBROMATOSIS, TYPE I, SOMATIC; VON RECKLINGHAUSEN DISEASE. Identifiers: Orphanet 636, MedGen C0027831, MONDO:0018975, OMIM 162200. Disease mechanism: loss of function.

Submission:

Labcorp Genetics (formerly Invitae), Labcorp
Classification: Uncertain significance for Neurofibromatosis, type 1. Last evaluated: 2021-08-30. Review status: criteria provided, single submitter. Criteria: Invitae Variant Classification Sherloc (09022015). Collection method: clinical testing. Allele origin: germline.
Comment: In summary, the available evidence is currently insufficient to determine the role of this variant in disease. Therefore, it has been classified as a Variant of Uncertain Significance. Algorithms developed to predict the effect of missense changes on protein structure and function are either unavailable or do not agree on the potential impact of this missense change (SIFT: "Tolerated"; PolyPhen-2: "Probably Damaging"; Align-GVGD: "Class C0"). This variant has not been reported in the literature in individuals with NF1-related conditions. This variant is not present in population databases (ExAC no frequency). This sequence change replaces alanine with valine at codon 2293 of the NF1 protein (p.Ala2293Val). The alanine residue is moderately conserved and there is a small physicochemical difference between alanine and valine.